The following is an entry in ClinVar:

NM_007294.4(BRCA1):c.1666A>C (p.Lys556Gln)

Gene: BRCA1 (BRCA1 DNA repair associated; minus strand). Cytogenetic location: 17q21.31.
Variant type: single nucleotide variant.
Coding change: c.1666A>C on transcript NM_007294.4 (MANE Select); coding-DNA position 1666, A replaced by C.
Protein change: p.Lys556Gln; replaces lysine 556 with glutamine.
Molecular consequence: missense variant. On other transcripts: intron variant (137).
Genome position (GRCh38, 1-based): chr17:43,093,865, T>G on the plus strand (A>C on the coding strand, the complement: BRCA1 is on the minus strand). VCF-style: chr17-43093865-T-G. GRCh37 (hg19) VCF-style: chr17-41245882-T-G.
Other names: c.1453A>C, p.Lys485Gln (NM_001407571.1, NM_001407898.1, NM_001407899.1 and 9 more transcripts); c.1666A>C, p.Lys556Gln (NM_001407581.1, NM_001407582.1, NM_001407583.1 and 30 more transcripts); c.1663A>C, p.Lys555Gln (NM_001407587.1, NM_001407590.1, NM_001407591.1 and 22 more transcripts); c.1657A>C, p.Lys553Gln (NM_001407647.1, NM_001407646.1); c.1543A>C, p.Lys515Gln (NM_001407648.1, NM_001407668.1, NM_001407669.1 and 19 more transcripts); c.1540A>C, p.Lys514Gln (NM_001407649.1, NM_001407670.1, NM_001407671.1 and 11 more transcripts); c.1588A>C, p.Lys530Gln (NM_001407653.1, NM_001407654.1, NM_001407655.1 and 4 more transcripts); c.1525A>C, p.Lys509Gln (NM_001407692.1, NM_001407694.1, NM_001407695.1 and 29 more transcripts); and 40 more; short protein forms K556Q, K509Q, K428Q, K468Q, K485Q, K486Q, K508Q, K515Q.
Identifiers: ClinVar variation 156488 (VCV000156488.4), dbSNP rs587783041, ClinGen allele CA001098.

ClinVar aggregate classification (germline): Likely benign. Review status: criteria provided, single submitter (1 of 4 stars). 2 submissions from 2 submitters: Likely benign (1). 1 of the submissions does not count toward it. Last evaluated 2023-03-23.

Conditions:
Hereditary cancer-predisposing syndrome. Also called: Tumor predisposition; Hereditary neoplastic syndrome; Hereditary Cancer Syndrome; Neoplastic Syndromes, Hereditary. Identifiers: Orphanet 140162, MedGen C0027672, MeSH D009386, MONDO:0015356.
Breast-ovarian cancer, familial, susceptibility to, 1 (BROVCA1). Also called: BRCA1 Hereditary Breast and Ovarian Cancer; OVARIAN CANCER, SUSCEPTIBILITY TO. Identifiers: Orphanet 145, MedGen C2676676, MONDO:0011450, OMIM 604370. Disease mechanism: loss of function.

Submissions (2):

University of Washington Department of Laboratory Medicine, University of Washington
Classification: Likely benign for Hereditary cancer-predisposing syndrome. Last evaluated: 2023-03-23. Review status: criteria provided, single submitter. Criteria: Dines et al. (Genet Med. 2020). Collection method: curation. Allele origin: germline.
Comment: Missense variant in a coldspot region where missense variants are very unlikely to be pathogenic (PMID:31911673).

BRCA1 coldspot (exon 11 using historical exon numbering). Reclassification based on statistical prior probability

Pathway Genomics
Classification: Uncertain significance for Breast-ovarian cancer, familial 1. Last evaluated: 2014-07-24. Review status: no assertion criteria provided. Collection method: clinical testing. Allele origin: germline. Not counted in ClinVar's aggregate classification.